The following is an entry in ClinVar:

NM_020297.4(ABCC9):c.1118A>T (p.Tyr373Phe)

Gene: ABCC9 (ATP binding cassette subfamily C member 9; minus strand). Cytogenetic location: 12p12.1.
Variant type: single nucleotide variant.
Coding change: c.1118A>T on transcript NM_020297.4 (MANE Select); coding-DNA position 1118, A replaced by T.
Protein change: p.Tyr373Phe; replaces tyrosine 373 with phenylalanine.
Molecular consequence: missense variant.
Genome position (GRCh38, 1-based): chr12:21,910,872, T>A on the plus strand (A>T on the coding strand, the complement: ABCC9 is on the minus strand). VCF-style: chr12-21910872-T-A. GRCh37 (hg19) VCF-style: chr12-22063806-T-A.
Other names: c.1118A>T, p.Tyr373Phe (NM_001377273.1, NM_005691.4); c.254A>T, p.Tyr85Phe (NM_001377274.1); short protein forms Y85F, Y373F.
Identifiers: ClinVar variation 1796747 (VCV001796747.2), dbSNP rs2541677370, ClinGen allele CA384119502.

ClinVar aggregate classification (germline): Uncertain significance (1 of 4 stars; one submission).

Conditions:
Cardiovascular phenotype. Identifiers: MedGen CN230736.

Submission:

Ambry Genetics
Classification: Uncertain significance for Cardiovascular phenotype. Last evaluated: 2022-06-07. Review status: criteria provided, single submitter. Criteria: Ambry Variant Classification Scheme 2023. Collection method: clinical testing. Allele origin: germline.
Comment: The p.Y373F variant (also known as c.1118A>T), located in coding exon 7 of the ABCC9 gene, results from an A to T substitution at nucleotide position 1118. The tyrosine at codon 373 is replaced by phenylalanine, an amino acid with highly similar properties. This amino acid position is highly conserved in available vertebrate species. In addition, the in silico prediction for this alteration is inconclusive. Since supporting evidence is limited at this time, the clinical significance of this alteration remains unclear.